The following is an entry in ClinVar:

ClinVar aggregate classification (germline): Uncertain significance (1 of 4 stars; one submission).

Conditions:
Ataxia-telangiectasia syndrome (AT). Also called: Ataxia telangiectasia (A-T); LOUIS-BAR SYNDROME; Cerebello-oculocutaneous telangiectasia; Immunodeficiency with ataxia telangiectasia; ATAXIA-TELANGIECTASIA, COMPLEMENTATION GROUP A; ATAXIA-TELANGIECTASIA, FRESNO VARIANT. Identifiers: Orphanet 100, MedGen C0004135, MONDO:0008840, OMIM 208900.

Submission:

Labcorp Genetics (formerly Invitae), Labcorp
Classification: Uncertain significance for Ataxia-telangiectasia syndrome. Last evaluated: 2016-02-06. Review status: criteria provided, single submitter. Criteria: Invitae Variant Classification Sherloc (09022015). Collection method: clinical testing. Allele origin: germline.
Comment: This sequence change falls in intron 32 of the ATM mRNA. It does not directly change the encoded amino acid sequence of the ATM protein. This variant is not present in population databases (ExAC no frequency) and has not been reported in the literature in individuals with an ATM-related disease. Algorithms developed to predict the effect of nucleotide changes on mRNA splicing suggest that this intronic variant may alter mRNA splicing, but this prediction has not been confirmed by published transcriptional studies. In summary, this is a novel intronic change with uncertain impact on splicing. It has been classified as a Variant of Uncertain Significance.

NM_000051.4(ATM):c.4910-6T>G

Gene: ATM (ATM serine/threonine kinase; plus strand). Cytogenetic location: 11q22.3.
Variant type: single nucleotide variant.
Coding change: c.4910-6T>G on transcript NM_000051.4 (MANE Select); 6 bases into the intron before coding-DNA position 4910, T replaced by G.
Molecular consequence: intron variant.
Genome position (GRCh38, 1-based): chr11:108,297,281, T>G. VCF-style: chr11-108297281-T-G. GRCh37 (hg19) VCF-style: chr11-108168008-T-G.
Other names: c.4910-6T>G (NM_001351834.2).
Identifiers: ClinVar variation 236725 (VCV000236725.6), dbSNP rs878853513, ClinGen allele CA10582822.
Genomic context (GRCh38, chr11:108,297,281, plus strand): 5'-TGCAATTATAAACAAAAGTGTTGTCTTCATGCTAGTTTAAACTAATTTTTAAAAAATTAT[T>G]TCTAGATAATCCGCAAGATGGGATTATGGTGAAACTAGTTGTCAATTTGTTGCAGTTATC-3'